The following is an entry in ClinVar:

NM_002691.4(POLD1):c.2302G>A (p.Val768Met)

Gene: POLD1 (DNA polymerase delta 1, catalytic subunit; plus strand). Cytogenetic location: 19q13.33.
Variant type: single nucleotide variant.
Coding change: c.2302G>A on transcript NM_002691.4 (MANE Select); coding-DNA position 2302, G replaced by A.
Protein change: p.Val768Met; replaces valine 768 with methionine.
Molecular consequence: missense variant. On other transcripts: non-coding transcript variant (1).
Genome position (GRCh38, 1-based): chr19:50,413,793, G>A. VCF-style: chr19-50413793-G-A. GRCh37 (hg19) VCF-style: chr19-50917050-G-A.
Other names: c.2302G>A, p.Val768Met (NM_001256849.1); c.2380G>A, p.Val794Met (NM_001308632.1); short protein forms V794M, V768M.
Identifiers: ClinVar variation 1789311 (VCV001789311.5), dbSNP rs2122448270, ClinGen allele CA406984092.

ClinVar aggregate classification (germline): Uncertain significance. Review status: criteria provided, multiple submitters, no conflicts (2 of 4 stars). 2 submissions from 2 submitters: Uncertain significance (2). Last evaluated 2023-11-13.

Conditions:
Hereditary cancer-predisposing syndrome. Also called: Tumor predisposition; Hereditary Cancer Syndrome; Hereditary neoplastic syndrome; Neoplastic Syndromes, Hereditary. Identifiers: Orphanet 140162, MedGen C0027672, MeSH D009386, MONDO:0015356.
POLD1-related polyposis and colorectal cancer syndrome (CRCS10). Also called: Colorectal cancer 10; COLORECTAL CANCER, SUSCEPTIBILITY TO, ON CHROMOSOME 19q; Colorectal cancer, susceptibility to, 10. Identifiers: Orphanet 220460, MedGen C2675481, MONDO:0012953, OMIM 612591.

Allele frequency attached by ClinVar (database versions not stated): gnomAD exomes below 0.00001.
gnomAD v4.1: 1 of 1,612,428 alleles (0.000062%); highest among the groups gnomAD compares: Non-Finnish European, 0.000085%; no homozygotes.

Submissions (2):

Labcorp Genetics (formerly Invitae), Labcorp
Classification: Uncertain significance for POLD1-related polyposis and colorectal cancer syndrome. Last evaluated: 2023-11-13. Review status: criteria provided, single submitter. Criteria: Invitae Variant Classification Sherloc (09022015). Collection method: clinical testing. Allele origin: germline.
Comment: This sequence change replaces valine, which is neutral and non-polar, with methionine, which is neutral and non-polar, at codon 768 of the POLD1 protein (p.Val768Met). This variant is not present in population databases (gnomAD no frequency). This variant has not been reported in the literature in individuals affected with POLD1-related conditions. ClinVar contains an entry for this variant (Variation ID: 1789311). Advanced modeling of protein sequence and biophysical properties (such as structural, functional, and spatial information, amino acid conservation, physicochemical variation, residue mobility, and thermodynamic stability) performed at Invitae indicates that this missense variant is not expected to disrupt POLD1 protein function with a negative predictive value of 80%. In summary, the available evidence is currently insufficient to determine the role of this variant in disease. Therefore, it has been classified as a Variant of Uncertain Significance.

Ambry Genetics
Classification: Uncertain significance for Hereditary cancer-predisposing syndrome. Last evaluated: 2022-05-09. Review status: criteria provided, single submitter. Criteria: Ambry Variant Classification Scheme 2023. Collection method: clinical testing. Allele origin: germline.
Comment: The p.V768M variant (also known as c.2302G>A), located in coding exon 18 of the POLD1 gene, results from a G to A substitution at nucleotide position 2302. The valine at codon 768 is replaced by methionine, an amino acid with highly similar properties. This amino acid position is conserved. In addition, this alteration is predicted to be tolerated by in silico analysis. Since supporting evidence is limited at this time, the clinical significance of this alteration remains unclear.